The following is an entry in ClinVar:

NM_001105206.3(LAMA4):c.1710T>C (p.Ser570=)

Gene: LAMA4 (laminin subunit alpha 4; minus strand). Cytogenetic location: 6q21.
Variant type: single nucleotide variant.
Coding change: c.1710T>C on transcript NM_001105206.3 (MANE Select); coding-DNA position 1710, T replaced by C.
Protein change: p.Ser570=; no amino-acid change (serine 570 retained).
Molecular consequence: synonymous variant.
Genome position (GRCh38, 1-based): chr6:112,158,839, A>G on the plus strand (T>C on the coding strand, the complement: LAMA4 is on the minus strand). VCF-style: chr6-112158839-A-G. GRCh37 (hg19) VCF-style: chr6-112480041-A-G.
Other names: p.S563S:AGT>AGC; c.1710T>C (NM_001105206.2); c.1689T>C, p.Ser563= (NM_001105207.3, NM_002290.5).
Identifiers: ClinVar variation 44351 (VCV000044351.18), dbSNP rs3752577, ClinGen allele CA282362.

ClinVar aggregate classification (germline): Benign. Review status: criteria provided, multiple submitters, no conflicts (2 of 4 stars). 7 submissions from 7 submitters: Benign (7). Last evaluated 2026-02-04.

Conditions:
Dilated cardiomyopathy 1JJ (CMD1JJ). Identifiers: Orphanet 154, MedGen C3808935, MONDO:0014095, OMIM 615235.

Allele frequency attached by ClinVar (database versions not stated): TOPMed 0.07771; gnomAD exomes 0.10657 and 0.09550; ExAC 0.10441; gnomAD 0.08618 and 0.08827; 1000 Genomes Project 0.09125; ESP Exome Variant Server 0.07327; 1000 Genomes Project 30x 0.08932.
gnomAD v4.1: 152,275 of 1,611,908 alleles (9.4%); highest among the groups gnomAD compares: East Asian, 15%; 8,253 homozygotes.

Submissions (7):

Labcorp Genetics (formerly Invitae), Labcorp
Classification: Benign for Dilated cardiomyopathy 1JJ. Last evaluated: 2026-02-04. Review status: criteria provided, single submitter. Criteria: Invitae Variant Classification Sherloc (09022015). Collection method: clinical testing. Allele origin: germline.

Blueprint Genetics
Classification: Benign. Last evaluated: 2024-11-27. Review status: criteria provided, single submitter. Criteria: ACMG Guidelines, 2015. Collection method: clinical testing. Allele origin: germline.

Women's Health and Genetics/Laboratory Corporation of America, LabCorp
Classification: Benign. Last evaluated: 2023-04-09. Review status: criteria provided, single submitter. Criteria: LabCorp Variant Classification Summary - May 2015. Collection method: clinical testing. Allele origin: germline.

Genome-Nilou Lab
Classification: Benign for Dilated cardiomyopathy 1JJ. Last evaluated: 2021-08-19. Review status: criteria provided, single submitter. Criteria: ACMG Guidelines, 2015. Collection method: clinical testing. Allele origin: germline. Affected: no.

GeneDx
Classification: Benign. Last evaluated: 2013-11-20. Review status: criteria provided, single submitter. Criteria: GeneDx Variant Classification (06012015). Collection method: clinical testing. Allele origin: germline. Affected: yes.
Comment: This variant is considered likely benign or benign based on one or more of the following criteria: it is a conservative change, it occurs at a poorly conserved position in the protein, it is predicted to be benign by multiple in silico algorithms, and/or has population frequency not consistent with disease.

Laboratory for Molecular Medicine, Mass General Brigham Personalized Medicine
Classification: Benign. Last evaluated: 2011-09-16. Review status: criteria provided, single submitter. Criteria: LMM Criteria. Collection method: clinical testing. Allele origin: germline. Observed: 279 variant alleles.

PreventionGenetics, part of Exact Sciences
Classification: Benign. Review status: criteria provided, single submitter. Criteria: ACMG Guidelines, 2015. Collection method: clinical testing. Allele origin: germline.